The following is an entry in ClinVar:

ClinVar aggregate classification (germline): Uncertain significance (1 of 4 stars; one submission).

Conditions:
Hypertrophic cardiomyopathy. Also called: HYPERTROPHIC MYOCARDIOPATHY. Identifiers: Orphanet 217569, MedGen C0007194, MeSH D002312, MONDO:0005045, HP:0001639.
Primary dilated cardiomyopathy (DCM). Also called: Dilated Cardiomyopathy. Identifiers: Orphanet 217604, MedGen C0007193, MeSH D002311, MONDO:0005021, HP:0001644. Inheritance: Various modes of inheritance.

Submission:

Labcorp Genetics (formerly Invitae), Labcorp
Classification: Uncertain significance for Hypertrophic cardiomyopathy; Primary dilated cardiomyopathy. Last evaluated: 2022-09-19. Review status: criteria provided, single submitter. Criteria: Invitae Variant Classification Sherloc (09022015). Collection method: clinical testing. Allele origin: germline.
Comment: This sequence change replaces valine, which is neutral and non-polar, with isoleucine, which is neutral and non-polar, at codon 358 of the PDLIM3 protein (p.Val358Ile). This variant is not present in population databases (gnomAD no frequency). This variant has not been reported in the literature in individuals affected with PDLIM3-related conditions. ClinVar contains an entry for this variant (Variation ID: 454474). Algorithms developed to predict the effect of missense changes on protein structure and function output the following: SIFT: "Tolerated"; PolyPhen-2: "Benign"; Align-GVGD: "Class C0". The isoleucine amino acid residue is found in multiple mammalian species, which suggests that this missense change does not adversely affect protein function. In summary, the available evidence is currently insufficient to determine the role of this variant in disease. Therefore, it has been classified as a Variant of Uncertain Significance.

NM_014476.6(PDLIM3):c.1072G>A (p.Val358Ile)

Gene: PDLIM3 (PDZ and LIM domain 3; minus strand). Cytogenetic location: 4q35.1.
Variant type: single nucleotide variant.
Coding change: c.1072G>A on transcript NM_014476.6 (MANE Select); coding-DNA position 1072, G replaced by A.
Protein change: p.Val358Ile; replaces valine 358 with isoleucine.
Molecular consequence: missense variant. On other transcripts: non-coding transcript variant (1).
Genome position (GRCh38, 1-based): chr4:185,502,317, C>T on the plus strand (G>A on the coding strand, the complement: PDLIM3 is on the minus strand). VCF-style: chr4-185502317-C-T. GRCh37 (hg19) VCF-style: chr4-186423471-C-T.
Other names: c.928G>A, p.Val310Ile (NM_001114107.5); c.808G>A, p.Val270Ile (NM_001257962.2); c.571G>A, p.Val191Ile (NM_001257963.2); short protein forms V358I, V191I, V270I, V310I.
Identifiers: ClinVar variation 454474 (VCV000454474.9), dbSNP rs1554037057, ClinGen allele CA358919194.